The following is an entry in ClinVar:

NM_015015.3(KDM4B):c.331C>T (p.Arg111Trp)

Gene: KDM4B (lysine demethylase 4B; plus strand). Cytogenetic location: 19p13.3.
Variant type: single nucleotide variant.
Coding change: c.331C>T on transcript NM_015015.3 (MANE Select); coding-DNA position 331, C replaced by T.
Protein change: p.Arg111Trp; replaces arginine 111 with tryptophan.
Molecular consequence: missense variant.
Genome position (GRCh38, 1-based): chr19:5,041,150, C>T. VCF-style: chr19-5041150-C-T. GRCh37 (hg19) VCF-style: chr19-5041161-C-T.
Other names: c.331C>T, p.Arg111Trp (NM_001370093.1, NM_001370094.1, NM_001411148.1); short protein forms R111W.
Identifiers: ClinVar variation 2634325 (VCV002634325.1), dbSNP rs150616189, ClinGen allele CA9107319.
Genomic context (GRCh38, chr19:5,041,150, plus strand): 5'-GCACCCAGGCCTCACCCTGAGCTGGTTTTGGGGTGTTTGTTCACCAGGTACTGTACCCCG[C>T]GGCACCAGGACTTTGATGACCTTGAACGCAAATACTGGAAGAACCTCACCTTTGTCTCCC-3'
Protein context (NP_055830.1, residues 101-121): LANSEKYCTP[Arg111Trp]HQDFDDLERK

ClinVar aggregate classification (germline): Uncertain significance (1 of 4 stars; one submission).

Conditions:
KDM4B-related disorder. Also called: KDM4B-related condition.

Allele frequency attached by ClinVar (database versions not stated): gnomAD exomes below 0.00001; gnomAD 0.00001; ExAC 0.00002; TOPMed 0.00002; ESP Exome Variant Server 0.00008.
gnomAD v4.1: 5 of 1,611,224 alleles (0.00031%); highest among the groups gnomAD compares: South Asian, 0.0011%; no homozygotes.

Submission:

PreventionGenetics, part of Exact Sciences
Classification: Uncertain significance for KDM4B-related condition. Last evaluated: 2023-08-31. Review status: criteria provided, single submitter. Criteria: ACMG Guidelines, 2015. Collection method: clinical testing. Allele origin: germline.
Comment: The KDM4B c.331C>T variant is predicted to result in the amino acid substitution p.Arg111Trp. To our knowledge, this variant has not been reported in the literature or in a large population database, indicating this variant is rare. At this time, the clinical significance of this variant is uncertain due to the absence of conclusive functional and genetic evidence.